The following is an entry in ClinVar:

NM_032830.3(UTP4):c.1749C>T (p.Ile583=)

Gene: UTP4 (UTP4 small subunit processome component). Cytogenetic location: 16q22.1.
Variant type: single nucleotide variant.
Coding change: c.1749C>T on transcript NM_032830.3 (MANE Select); coding-DNA position 1749, C replaced by T.
Protein change: p.Ile583=; no amino-acid change (isoleucine 583 retained).
Molecular consequence: synonymous variant.
Genome position (GRCh38, 1-based): chr16:69,165,442, C>T. VCF-style: chr16-69165442-C-T. GRCh37 (hg19) VCF-style: chr16-69199345-C-T.
Other names: c.1500C>T, p.Ile500= (NM_001318391.2).
Identifiers: ClinVar variation 3344359 (VCV003344359.1).

ClinVar aggregate classification (germline): Likely benign (0 of 4 stars; one submission).

Conditions:
UTP4-related disorder. Also called: UTP4-related condition.

Submission:

PreventionGenetics, part of Exact Sciences
Classification: Likely benign for UTP4-related condition. Last evaluated: 2024-08-27. Review status: no assertion criteria provided. Collection method: clinical testing. Allele origin: germline.
Comment: This variant is classified as likely benign based on ACMG/AMP sequence variant interpretation guidelines (Richards et al. 2015 PMID: 25741868, with internal and published modifications).